The following is an entry in ClinVar:

NM_001164508.2(NEB):c.17953_18472-56del

Gene: NEB (nebulin; minus strand). Cytogenetic location: 2q23.3.
Variant type: Deletion.
Coding change: c.17953_18472-56del on transcript NM_001164508.2 (MANE Select); coding-DNA position 17953 through 56 bases into the intron before coding-DNA position 18472, 3,386 bases deleted.
Molecular consequence: splice acceptor variant, splice donor variant.
Genome position (GRCh38, 1-based): chr2:151,563,986-151,567,371, 3,386 bases deleted. GRCh37 (hg19): chr2:152,420,501-152,423,886.
Other names: c.12850_13369-56del (NM_004543.5); c.17953_18472-56del (NM_001164507.2, NM_001271208.2).
Identifiers: ClinVar variation 660893 (VCV000660893.2), ClinGen allele CA915942821.

ClinVar aggregate classification (germline): Likely pathogenic (1 of 4 stars; one submission).

Conditions:
Nemaline myopathy 2 (NEM2). Also called: Nemaline myopathy 2, autosomal recessive. Identifiers: MedGen C1850569, MONDO:0009725, OMIM 256030.

Submission:

Labcorp Genetics (formerly Invitae), Labcorp
Classification: Likely pathogenic for Nemaline myopathy 2. Last evaluated: 2019-06-03. Review status: criteria provided, single submitter. Criteria: Invitae Variant Classification Sherloc (09022015). Collection method: clinical testing. Allele origin: germline.
Comment: This variant is a deletion of the genomic region encompassing exons 115-117 and part of exon 114 (c.17953_18472-56del) of the NEB gene. It is expected to disrupt RNA splicing and likely results in an absent or disrupted protein product. This variant has not been reported in the literature in individuals with NEB-related conditions. Loss-of-function variants in NEB are known to be pathogenic (PMID: 25205138). In summary, the currently available evidence indicates that the variant is pathogenic, but additional data are needed to prove that conclusively. Therefore, this variant has been classified as Likely Pathogenic.